The following is an entry in ClinVar:

NC_000002.11:g.(?_29416090)_(29474143_?)dup

Gene: ALK (ALK receptor tyrosine kinase; minus strand). Cytogenetic location: 2p23.2.
Variant type: Duplication.
Identifiers: ClinVar variation 1411124 (VCV001411124.4).

ClinVar aggregate classification (germline): Uncertain significance (1 of 4 stars; one submission).

Conditions:
Neuroblastoma, susceptibility to, 3. Also called: ALK-Related Neuroblastic Tumor Susceptibility. Identifiers: Orphanet 635, MedGen C2751681, MONDO:0013083, OMIM 613014.

Submission:

Labcorp Genetics (formerly Invitae), Labcorp
Classification: Uncertain significance for Neuroblastoma, susceptibility to, 3. Last evaluated: 2022-12-31. Review status: criteria provided, single submitter. Criteria: Invitae Variant Classification Sherloc (09022015). Collection method: clinical testing. Allele origin: germline.
Comment: In summary, the available evidence is currently insufficient to determine the role of this variant in disease. Therefore, it has been classified as a Variant of Uncertain Significance. This variant has not been reported in the literature in individuals affected with ALK-related conditions. This variant results in a copy number gain of the genomic region encompassing exon(s) 12-29 of the ALK gene. This region includes the termination codon of the gene. This copy number gain extends beyond the assayed region for this gene and therefore may encompass additional genes. As the precise location of this event is unknown, it may be in tandem or it may be located elsewhere in the genome.